The following is an entry in ClinVar:

ClinVar aggregate classification (germline): Conflicting classifications of pathogenicity. Review status: criteria provided, conflicting classifications (1 of 4 stars). 5 submissions from 5 submitters: Pathogenic (1); Likely pathogenic (2); Uncertain significance (1). 1 of the submissions does not count toward it. Last evaluated 2025-09-02.

Conditions:
Cortical dysplasia-focal epilepsy syndrome (PTHSL1). Also called: Pitt-Hopkins-like syndrome 1. Identifiers: Orphanet 163681, Orphanet 221150, MedGen C2750246, MONDO:0012400, OMIM 610042.
Autism spectrum disorder. Also called: Autism spectrum disorders. Identifiers: MedGen C1510586, MeSH D000067877, MONDO:0005258.
Intellectual disability. Also called: Intellectual functioning disability; Intellectual developmental disorder; intellectual disabilities. Identifiers: MedGen C3714756, MeSH D008607, MONDO:0001071, HP:0001249.
Epilepsy. Also called: Seizure disorder. Identifiers: MedGen C0014544, MeSH D004827, MONDO:0005027.
Autism, susceptibility to, 15. Also called: Autism susceptibility 15. Identifiers: MedGen C2677504, MONDO:0012801, OMIM 612100.

Allele frequency attached by ClinVar (database versions not stated): ExAC 0.00002; ESP Exome Variant Server 0.00008.

Submissions (5):

Labcorp Genetics (formerly Invitae), Labcorp
Classification: Pathogenic for Cortical dysplasia-focal epilepsy syndrome. Last evaluated: 2025-09-02. Review status: criteria provided, single submitter. Criteria: Invitae Variant Classification Sherloc (09022015). Collection method: clinical testing. Allele origin: germline.
Comment: This sequence change replaces glycine, which is neutral and non-polar, with arginine, which is basic and polar, at codon 228 of the CNTNAP2 protein (p.Gly228Arg). This variant is present in population databases (rs371512835, gnomAD 0.002%). This missense change has been observed in individuals with CNTNAP2-related conditions (PMID: 35911904). It has also been observed to segregate with disease in related individuals. ClinVar contains an entry for this variant (Variation ID: 421332). An algorithm developed to predict the effect of missense changes on protein structure and function (PolyPhen-2) suggests that this variant is likely to be tolerated. For these reasons, this variant has been classified as Pathogenic.

Fulgent Genetics
Classification: Likely pathogenic for Cortical dysplasia-focal epilepsy syndrome; Autism, susceptibility to, 15. Last evaluated: 2024-06-04. Review status: criteria provided, single submitter. Criteria: ACMG Guidelines, 2015. Collection method: clinical testing. Allele origin: germline.

Women's Health and Genetics/Laboratory Corporation of America, LabCorp
Classification: Likely pathogenic for Cortical dysplasia-focal epilepsy syndrome. Last evaluated: 2024-05-31. Review status: criteria provided, single submitter. Criteria: LabCorp Variant Classification Summary - May 2015. Collection method: clinical testing. Allele origin: germline.
Comment: Variant summary: CNTNAP2 c.682G>A (p.Gly228Arg) results in a non-conservative amino acid change located in the Laminin G domain (IPR001791) of the encoded protein sequence. Three of five in-silico tools predict a damaging effect of the variant on protein function. The variant allele was found at a frequency of 8e-06 in 251158 control chromosomes. c.682G>A has been reported in the literature in homozygous individuals affected with Pitt-Hopkins-Like Syndrome 1 (example: Badshah_2022). These data indicate that the variant is likely to be associated with disease. To our knowledge, no experimental evidence demonstrating an impact on protein function has been reported. The following publication has been ascertained in the context of this evaluation (PMID: 35911904). ClinVar contains an entry for this variant (Variation ID: 421332). Based on the evidence outlined above, the variant was classified as likely pathogenic.

GeneDx
Classification: Uncertain significance. Last evaluated: 2016-06-01. Review status: criteria provided, single submitter. Criteria: GeneDx Variant Classification (06012015). Collection method: clinical testing. Allele origin: germline. Affected: yes.
Comment: A variant of uncertain significance has been identified in the CNTNAP2 gene. The G228R variant has not been published as a pathogenic variant, nor has it been reported as a benign variant to our knowledge. It was not observed with any significant frequency in approximately 6,500 individuals of European and African American ancestry in the NHLBI Exome Sequencing Project. The G228R variant is a non-conservative amino acid substitution, which is likely to impact secondary protein structure as these residues differ in polarity, charge, size and/or other properties. This substitution occurs at a position that is conserved across species. However, in silico analysis is inconsistent in its predictions as to whether or not the variant is damaging to the protein structure/function. Therefore, based on the currently available information, it is unclear whether this variant is a pathogenic variant or a rare benign variant.

Escayg Lab, Department of Human Genetics, Emory University
Classification: Uncertain significance for Epilepsy; Intellectual Disability; Autism Spectrum Disorder. Review status: no assertion criteria provided. Collection method: research. Allele origin: germline. Inheritance: Autosomal recessive inheritance. Affected: yes. Observed: 2 variant alleles, 2 homozygotes. Not counted in ClinVar's aggregate classification.
Comment: The Gly228Arg variant in CNTNAP2 was identified in a Pakistani family with epilepsy, intellectual disability and autism spectrum disorder and segregated with disease in all sequenced individuals. It is a non-conservative amino substitution and absent from gnomAD in a homozygous state. Conflicting predictions (CADD: "21.4", PolyPhen-2: "Probably Damaging", SIFT: "Tolerated", PROVEAN: "Deleterious") and lack of previous homozygous pathogenic missense variants in CNTNAP2 in association with disease status leave the clinical significance of this variant unknown.

Literature cited by the submitters: PubMed 35911904 (cited by Labcorp Genetics (formerly Invitae), Labcorp and Women's Health and Genetics/Laboratory Corporation of America, LabCorp).

NM_014141.6(CNTNAP2):c.682G>A (p.Gly228Arg)

Gene: CNTNAP2 (contactin associated protein 2; plus strand). Cytogenetic location: 7q35.
Variant type: single nucleotide variant.
Coding change: c.682G>A on transcript NM_014141.6 (MANE Select); coding-DNA position 682, G replaced by A.
Protein change: p.Gly228Arg; replaces glycine 228 with arginine.
Molecular consequence: missense variant.
Genome position (GRCh38, 1-based): chr7:147,108,278, G>A. VCF-style: chr7-147108278-G-A. GRCh37 (hg19) VCF-style: chr7-146805370-G-A.
Other names: short protein forms G228R.
Identifiers: ClinVar variation 421332 (VCV000421332.15), dbSNP rs371512835, ClinGen allele CA4545862.
Genomic context (GRCh38, chr7:147,108,278, plus strand): 5'-CTGAAAGATGTCATTGCCTTGAACTTTAAGACGTCTGAAAGTGAAGGAGTAATCCTGCAC[G>A]GAGAAGGACAGCAAGGAGATTACATTACCTTGGAACTGAAAAAAGCCAAGCTGGTCCTCA-3'
Protein context (NP_054860.1, residues 218-238): TSESEGVILH[Gly228Arg]EGQQGDYITL